The following is an entry in ClinVar:

NM_000044.6(AR):c.2047C>T (p.Pro683Ser)

Gene: AR (androgen receptor; plus strand). Cytogenetic location: Xq12.
Variant type: single nucleotide variant.
Coding change: c.2047C>T on transcript NM_000044.6 (MANE Select); coding-DNA position 2047, C replaced by T.
Protein change: p.Pro683Ser; replaces proline 683 with serine.
Molecular consequence: missense variant.
Genome position (GRCh38, 1-based): chrX:67,711,563, C>T. VCF-style: chrX-67711563-C-T. GRCh37 (hg19) VCF-style: chrX-66931405-C-T.
Other names: c.451C>T, p.Pro151Ser (NM_001011645.3); short protein forms P683S, P151S.
Identifiers: ClinVar variation 838128 (VCV000838128.10), dbSNP rs2076094025, ClinGen allele CA413423298.
Genomic context (GRCh38, chrX:67,711,563, plus strand): 5'-TCACACATTGAAGGCTATGAATGTCAGCCCATCTTTCTGAATGTCCTGGAAGCCATTGAG[C>T]CAGGTGTAGTGTGTGCTGGACACGACAACAACCAGCCCGACTCCTTTGCAGCCTTGCTCT-3'
Protein context (NP_000035.2, residues 673-693): IFLNVLEAIE[Pro683Ser]GVVCAGHDNN

ClinVar aggregate classification (germline): Uncertain significance. Review status: criteria provided, multiple submitters, no conflicts (2 of 4 stars). 2 submissions from 2 submitters: Uncertain significance (2). Last evaluated 2024-07-30.

Conditions:
Androgen resistance syndrome (AIS). Also called: Androgen insensitivity syndrome; ANDROGEN RECEPTOR DEFICIENCY; DHTR DEFICIENCY; Androgen insensitivity syndrome due to coactivator deficiency; Androgen insensitivity; DIHYDROTESTOSTERONE RECEPTOR DEFICIENCY. Identifiers: Orphanet 754, Orphanet 99429, MedGen C0039585, MONDO:0019154, OMIM 300068. Disease mechanism: loss of function.
Kennedy disease (SMAX1). Also called: Spinal and Bulbar Muscular Atrophy; SPINAL AND BULBAR MUSCULAR ATROPHY, X-LINKED 1; KENNEDY SPINAL AND BULBAR MUSCULAR ATROPHY. Identifiers: Orphanet 481, MedGen C1839259, MONDO:0010735, OMIM 313200.
Partial androgen insensitivity syndrome (PAIS). Also called: Reifenstein syndrome; ANDROGEN INSENSITIVITY, PARTIAL, WITH OR WITHOUT BREAST CANCER; Partial Androgen Insensitivity Syndrome (PAIS); Gynecomastia, familial; Pseudohermaphroditism, Incomplete male, type I; Reifenstein syndrome, partial. Identifiers: Orphanet 90797, MedGen C0268301, MONDO:0010720, OMIM 312300.

Submissions (2):

3billion
Classification: Uncertain significance for Partial androgen insensitivity syndrome. Last evaluated: 2024-07-30. Review status: criteria provided, single submitter. Criteria: ACMG Guidelines, 2015. Collection method: clinical testing. Allele origin: germline. Affected: yes.
Comment: The variant is not observed in the gnomAD v4.0.0 dataset. In silico tool predictions suggest damaging effect of the variant on gene or gene product [REVEL: 0.93 (>=0.6); 3Cnet: 0.95 (>=0.6)]. The same nucleotide change resulting in the same amino acid change has been previously reported to be associated with AR related disorder (ClinVar ID: VCV000838128). Different missense changes at the same codon (p.Pro683Ala, p.Pro683Thr) have been reported to be associated with AR-related disorder (PMID: 11587068, 15925895). Therefore, this variant is classified as Uncertain significance according to the recommendation of ACMG/AMP guideline.

Labcorp Genetics (formerly Invitae), Labcorp
Classification: Uncertain significance for Kennedy disease; Androgen resistance syndrome. Last evaluated: 2019-03-22. Review status: criteria provided, single submitter. Criteria: Invitae Variant Classification Sherloc (09022015). Collection method: clinical testing. Allele origin: germline.
Comment: In summary, the available evidence is currently insufficient to determine the role of this variant in disease. Therefore, it has been classified as a Variant of Uncertain Significance. This variant disrupts the p.Pro683 (reported as p.Pro682) amino acid residue in AR. Other variant(s) that disrupt this residue have been observed in individuals with AR-related conditions (PMID: 11587068, 15925895), which suggests that this may be a clinically significant amino acid residue. Algorithms developed to predict the effect of missense changes on protein structure and function are either unavailable or do not agree on the potential impact of this missense change (SIFT: "Deleterious"; PolyPhen-2: "Probably Damaging"; Align-GVGD: "Class C0"). This variant has not been reported in the literature in individuals with AR-related conditions. This variant is not present in population databases (ExAC no frequency). This sequence change replaces proline with serine at codon 683 of the AR protein (p.Pro683Ser). The proline residue is highly conserved and there is a moderate physicochemical difference between proline and serine.

Literature cited by the submitters: PubMed 11587068 (cited by Labcorp Genetics (formerly Invitae), Labcorp); PubMed 15925895 (cited by Labcorp Genetics (formerly Invitae), Labcorp).